The following is an entry in ClinVar:

NM_001829.4(CLCN3):c.1947T>C (p.Thr649=)

Gene: CLCN3 (Cl-/H+ antiporter 3; plus strand). Cytogenetic location: 4q33.
Variant type: single nucleotide variant.
Coding change: c.1947T>C on transcript NM_001829.4 (MANE Select); coding-DNA position 1947, T replaced by C.
Protein change: p.Thr649=; no amino-acid change (threonine 649 retained).
Molecular consequence: synonymous variant.
Genome position (GRCh38, 1-based): chr4:169,707,064, T>C. VCF-style: chr4-169707064-T-C. GRCh37 (hg19) VCF-style: chr4-170628215-T-C.
Other names: c.1866T>C, p.Thr622= (NM_001243372.2, NM_001243374.2); c.1947T>C, p.Thr649= (NM_173872.4).
Identifiers: ClinVar variation 4822893 (VCV004822893.4).

ClinVar aggregate classification (germline): Likely benign (1 of 4 stars; one submission).

gnomAD v4.1: 47 of 1,614,008 alleles (0.0029%); highest among the groups gnomAD compares: Admixed American, 0.075%; no homozygotes.

Submission:

CeGaT Center for Human Genetics Tuebingen
Classification: Likely benign. Last evaluated: 2026-09-01. Review status: criteria provided, single submitter. Criteria: CeGaT Center For Human Genetics Tuebingen Variant Classification Criteria Version 2. Collection method: clinical testing. Allele origin: germline. Affected: yes. Observed: 3 variant alleles.
Comment: CLCN3: BP4, BP7